The following is an entry in ClinVar:

ClinVar aggregate classification (germline): Uncertain significance (1 of 4 stars; one submission).

Conditions:
Brachydactyly type B1 (BDB1). Identifiers: Orphanet 572385, Orphanet 93383, MedGen C1862112, MONDO:0007220, OMIM 113000.

Allele frequency attached by ClinVar (database versions not stated): gnomAD exomes below 0.00001.
gnomAD v4.1: 1 of 1,613,768 alleles (0.000062%); highest among the groups gnomAD compares: Non-Finnish European, 0.000085%; no homozygotes.

Submission:

Molecular Genetics, Royal Melbourne Hospital
Classification: Uncertain significance for Brachydactyly type B1. Last evaluated: 2020-06-26. Review status: criteria provided, single submitter. Criteria: ACMG Guidelines, 2015. Collection method: clinical testing. Allele origin: germline. Affected: yes.
Comment: This sequence change is predicted to replace valine with methionine at codon 504 of the ROR2 protein (p.Val504Met). The valine residue is highly conserved (100 vertebrates, UCSC), and is located in the protein tyrosine kinase domain in a beta strand. There is a small physicochemical difference between valine and methionine. The variant is absent in a large population cohort (PM2; gnomAD v2.1), and has not been reported in the relevant medical literature or databases. Multiple lines of computational evidence predict a deleterious effect for the missense substitution (PP3; 6/7 algorithms). Based on the classification scheme RMH ACMG Guidelines v1.2.1, this variant is classified as a VARIANT OF UNCERTAIN SIGNIFICANCE. Following criteria are met: PM2, PP3.

NM_004560.4(ROR2):c.1510G>A (p.Val504Met)

Gene: ROR2 (receptor tyrosine kinase like orphan receptor 2; minus strand). Cytogenetic location: 9q22.31.
Variant type: single nucleotide variant.
Coding change: c.1510G>A on transcript NM_004560.4 (MANE Select); coding-DNA position 1510, G replaced by A.
Protein change: p.Val504Met; replaces valine 504 with methionine.
Molecular consequence: missense variant.
Genome position (GRCh38, 1-based): chr9:91,724,984, C>T on the plus strand (G>A on the coding strand, the complement: ROR2 is on the minus strand). VCF-style: chr9-91724984-C-T. GRCh37 (hg19) VCF-style: chr9-94487266-C-T.
Other names: short protein forms V504M.
Identifiers: ClinVar variation 1678561 (VCV001678561.2), dbSNP rs2118626430, ClinGen allele CA373798417.
Genomic context (GRCh38, chr9:91,724,984, plus strand): 5'-CATGCCGGAACTCCTCCCGCAGGGGCCCCTCCGCTTTGTCCTTCAGCGTTTTGATGGCCA[C>T]AGCCTGGGTCTGCTCCCCCGGGGCAGGGCCGAACAGGTGACCTTTGTAGACTTTCCCAAA-3'
Protein context (NP_004551.2, residues 494-514): GPAPGEQTQA[Val504Met]AIKTLKDKAE